The following is an entry in ClinVar:

NM_001046.3(SLC12A2):c.312GGC[5] (p.Ala107_Gly108insAlaAla)

Gene: SLC12A2 (solute carrier family 12 member 2; plus strand). Cytogenetic location: 5q23.3.
Variant type: Microsatellite.
Coding change: c.312GGC[5] on transcript NM_001046.3 (MANE Select); five copies in a row of the 3-base unit GGC starting at c.312; the reference has three copies in a row; two copies, 6 bases duplicated; also written c.315_320dup.
Protein change: p.Ala107_Gly108insAlaAla.
Molecular consequence: inframe insertion. On other transcripts: non-coding transcript variant (1).
Genome position (GRCh38, 1-based): chr5:128,084,269-128,084,274, GGCGGC duplicated; duplicating any 6 consecutive bases within chr5:128,084,264-128,084,274 gives the same sequence; the position shown is the placement nearest the transcript's 3' end. VCF-style (leftmost placement, unchanged base first): chr5-128084263-A-AGCGGCG. GRCh37 (hg19) VCF-style: chr5-127419955-A-AGCGGCG.
Other names: c.312GGC[5], p.Ala107_Gly108insAlaAla (NM_001256461.2); c.315_320dup (NM_001046.3).
Identifiers: ClinVar variation 2980057 (VCV002980057.4), dbSNP rs978857486, ClinGen allele CA2675103833.

ClinVar aggregate classification (germline): Uncertain significance. Review status: criteria provided, multiple submitters, no conflicts (2 of 4 stars). 2 submissions from 2 submitters: Uncertain significance (2). Last evaluated 2023-08-04.

Conditions:
Hearing loss, autosomal dominant 78. Also called: DEAFNESS, AUTOSOMAL DOMINANT 78. Identifiers: MedGen C5436768, MONDO:0033665, OMIM 619081.
Delpire-McNeill syndrome. Also called: SLC12A2-related autosomal dominant infantile-developmental delay-intellectual disability-sensorineural deafness syndrome. Identifiers: Orphanet 633024, MedGen C5436771, MONDO:0033667, OMIM 619083.
Kilquist syndrome (KILQS). Also called: SLC12A2-related autosomal recessive neonatal-developmental delay-intellectual disability-feeding difficulty-sensorineural deafness syndrome. Identifiers: Orphanet 633021, MedGen C5436756, MONDO:0033664, OMIM 619080.

Submissions (2):

Labcorp Genetics (formerly Invitae), Labcorp
Classification: Uncertain significance. Last evaluated: 2023-08-04. Review status: criteria provided, single submitter. Criteria: Invitae Variant Classification Sherloc (09022015). Collection method: clinical testing. Allele origin: germline.
Comment: In summary, the available evidence is currently insufficient to determine the role of this variant in disease. Therefore, it has been classified as a Variant of Uncertain Significance. Experimental studies and prediction algorithms are not available or were not evaluated, and the functional significance of this variant is currently unknown. This variant has not been reported in the literature in individuals affected with SLC12A2-related conditions. This variant is not present in population databases (gnomAD no frequency). This variant, c.315_320dup, results in the insertion of 2 amino acid(s) of the SLC12A2 protein (p.Ala106_Ala107dup), but otherwise preserves the integrity of the reading frame.

Juno Genomics, Hangzhou Juno Genomics, Inc
Classification: Uncertain significance for Hearing loss, autosomal dominant 78; Delpire-McNeill syndrome; Kilquist syndrome. Review status: criteria provided, single submitter. Criteria: ACMG Guidelines, 2015. Collection method: clinical testing. Allele origin: germline.
Comment: Absent from controls (or at extremely low frequency if recessive) in Genome Aggregation Database.;Protein length changes due to in-frame deletions/insertions in a non-repeat region or stop-loss variants.